The following is an entry in ClinVar:

NM_004333.6(BRAF):c.2216A>C (p.Gln739Pro)

Gene: BRAF (B-Raf proto-oncogene, serine/threonine kinase; minus strand). Cytogenetic location: 7q34.
Variant type: single nucleotide variant.
Coding change: c.2216A>C on transcript NM_004333.6 (MANE Select); coding-DNA position 2216, A replaced by C.
Protein change: p.Gln739Pro; replaces glutamine 739 with proline.
Molecular consequence: missense variant. On other transcripts: intron variant (2).
Genome position (GRCh38, 1-based): chr7:140,734,682, T>G on the plus strand (A>C on the coding strand, the complement: BRAF is on the minus strand). VCF-style: chr7-140734682-T-G. GRCh37 (hg19) VCF-style: chr7-140434482-T-G.
Other names: c.2216A>C, p.Gln739Pro (NM_001354609.2); c.2336A>C, p.Gln779Pro (NM_001374244.1, NM_001374258.1); c.2225A>C, p.Gln742Pro (NM_001378467.1); c.2150A>C, p.Gln717Pro (NM_001378469.1); c.2114A>C, p.Gln705Pro (NM_001378470.1); c.2105A>C, p.Gln702Pro (NM_001378471.1); c.2060A>C, p.Gln687Pro (NM_001378472.1, NM_001378473.1); c.1952A>C, p.Gln651Pro (NM_001378475.1); and 1 more; short protein forms Q651P, Q687P, Q702P, Q705P, Q717P, Q739P, Q742P, Q779P.
Identifiers: ClinVar variation 4867677 (VCV004867677.1).

ClinVar aggregate classification (germline): Uncertain significance (1 of 4 stars; one submission).

Conditions:
Cardiovascular phenotype. Identifiers: MedGen CN230736.

Submission:

Ambry Genetics
Classification: Uncertain significance for Cardiovascular phenotype. Last evaluated: 2026-04-30. Review status: criteria provided, single submitter. Criteria: Ambry Variant Classification Scheme 2023. Collection method: clinical testing. Allele origin: germline.
Comment: The p.Q739P variant (also known as c.2216A>C), located in coding exon 18 of the BRAF gene, results from an A to C substitution at nucleotide position 2216. The glutamine at codon 739 is replaced by proline, an amino acid with similar properties. This amino acid position is conserved. In addition, the in silico prediction for this alteration is inconclusive. Based on the available evidence, the clinical significance of this variant remains unclear.